The following is an entry in ClinVar:

NM_001540.5(HSPB1):c.20C>G (p.Pro7Arg)

Gene: HSPB1 (heat shock protein family B (small) member 1; plus strand). Cytogenetic location: 7q11.23.
Variant type: single nucleotide variant.
Coding change: c.20C>G on transcript NM_001540.5 (MANE Select); coding-DNA position 20, C replaced by G.
Protein change: p.Pro7Arg; replaces proline 7 with arginine.
Molecular consequence: missense variant.
Genome position (GRCh38, 1-based): chr7:76,302,732, C>G. VCF-style: chr7-76302732-C-G. GRCh37 (hg19) VCF-style: chr7-75932049-C-G.
Other names: c.20C>G (LRG_248t1); short protein forms P7R.
Identifiers: ClinVar variation 581452 (VCV000581452.9), dbSNP rs1405359814, ClinGen allele CA367762694.

ClinVar aggregate classification (germline): Conflicting classifications of pathogenicity. Review status: criteria provided, conflicting classifications (1 of 4 stars). 2 submissions from 2 submitters: Likely pathogenic (1); Uncertain significance (1). Last evaluated 2023-12-05.

Conditions:
Charcot-Marie-Tooth disease axonal type 2F (CMT2F). Also called: Charcot-Marie-Tooth Neuropathy Type 2F; CHARCOT-MARIE-TOOTH DISEASE, NEURONAL, TYPE 2F. Identifiers: Orphanet 99940, MedGen C1847823, MONDO:0011687, OMIM 606595.

Submissions (2):

GeneDx
Classification: Uncertain significance. Last evaluated: 2023-12-05. Review status: criteria provided, single submitter. Criteria: GeneDx Variant Classification Process June 2021. Collection method: clinical testing. Allele origin: germline. Affected: yes.
Comment: Reported previously as a likely pathogenic variant in a patient with a diagnosis of distal hereditary motor neuropathy; however, no further clinical or segregation information was provided (PMID: 26989944); In silico analysis supports that this missense variant has a deleterious effect on protein structure/function; Not observed at significant frequency in large population cohorts (gnomAD); This variant is associated with the following publications: (PMID: 29031079, 26989944, 28018906, 32323160, 28144995, 32301006, 32334137, 32639100)

Labcorp Genetics (formerly Invitae), Labcorp
Classification: Likely pathogenic for Charcot-Marie-Tooth disease axonal type 2F. Last evaluated: 2020-10-24. Review status: criteria provided, single submitter. Criteria: Invitae Variant Classification Sherloc (09022015). Collection method: clinical testing. Allele origin: germline.
Comment: In summary, the currently available evidence indicates that the variant is pathogenic, but additional data are needed to prove that conclusively. Therefore, this variant has been classified as Likely Pathogenic. This variant disrupts the p.Pro7 amino acid residue in HSPB1. Other variant(s) that disrupt this residue have been observed in individuals with HSPB1-related conditions (PMID: 28144995), which suggests that this may be a clinically significant amino acid residue. Algorithms developed to predict the effect of missense changes on protein structure and function (SIFT, PolyPhen-2, Align-GVGD) all suggest that this variant is likely to be disruptive, but these predictions have not been confirmed by published functional studies and their clinical significance is uncertain. This variant has been observed in individual(s) with HSPB1-related conditions (PMID: 26989944, 29031079). It has also been observed to segregate with disease in related individuals. ClinVar contains an entry for this variant (Variation ID: 581452). This variant is not present in population databases (ExAC no frequency). This sequence change replaces proline with arginine at codon 7 of the HSPB1 protein (p.Pro7Arg). The proline residue is highly conserved and there is a moderate physicochemical difference between proline and arginine.

Literature cited by the submitters: PubMed 28144995 (cited by Labcorp Genetics (formerly Invitae), Labcorp); PubMed 26989944 (cited by Labcorp Genetics (formerly Invitae), Labcorp); PubMed 29031079 (cited by Labcorp Genetics (formerly Invitae), Labcorp).